The following is an entry in ClinVar:

NM_004855.5(PIGB):c.38G>A (p.Gly13Glu)

Genes: PIGB (phosphatidylinositol glycan anchor biosynthesis class B; plus strand), LOC130057104 (ATAC-STARR-seq lymphoblastoid active region 9443; plus strand). Cytogenetic location: 15q21.3.
Variant type: single nucleotide variant.
Coding change: c.38G>A on transcript NM_004855.5 (MANE Select); coding-DNA position 38, G replaced by A.
Protein change: p.Gly13Glu; replaces glycine 13 with glutamic acid.
Molecular consequence: missense variant.
Genome position (GRCh38, 1-based): chr15:55,319,288, G>A. VCF-style: chr15-55319288-G-A. GRCh37 (hg19) VCF-style: chr15-55611486-G-A.
Other names: c.38G>A (NM_004855.4); short protein forms G13E.
Identifiers: ClinVar variation 1982744 (VCV001982744.2), dbSNP rs942714779, ClinGen allele CA270774270.

ClinVar aggregate classification (germline): Conflicting classifications of pathogenicity. Review status: criteria provided, conflicting classifications (1 of 4 stars). 2 submissions from 2 submitters: Uncertain significance (1); Likely benign (1). Last evaluated 2025-08-14.

Conditions:
Inborn genetic diseases. Identifiers: MedGen C0950123, MeSH D030342.

gnomAD v4.1: 9 of 1,606,746 alleles (0.00056%); highest among the groups gnomAD compares: African/African-American, 0.008%; no homozygotes.

Submissions (2):

Ambry Genetics
Classification: Likely benign for Inborn genetic diseases. Last evaluated: 2025-08-14. Review status: criteria provided, single submitter. Criteria: Ambry Variant Classification Scheme 2023. Collection method: clinical testing. Allele origin: germline.

Labcorp Genetics (formerly Invitae), Labcorp
Classification: Uncertain significance. Last evaluated: 2022-06-14. Review status: criteria provided, single submitter. Criteria: Invitae Variant Classification Sherloc (09022015). Collection method: clinical testing. Allele origin: germline.
Comment: This sequence change replaces glycine, which is neutral and non-polar, with glutamic acid, which is acidic and polar, at codon 13 of the PIGB protein (p.Gly13Glu). This variant is not present in population databases (gnomAD no frequency). This variant has not been reported in the literature in individuals affected with PIGB-related conditions. Algorithms developed to predict the effect of missense changes on protein structure and function output the following: SIFT: "Tolerated"; PolyPhen-2: "Benign"; Align-GVGD: "Class C0". The glutamic acid amino acid residue is found in multiple mammalian species, which suggests that this missense change does not adversely affect protein function. In summary, the available evidence is currently insufficient to determine the role of this variant in disease. Therefore, it has been classified as a Variant of Uncertain Significance.